The following is an entry in ClinVar:

ClinVar aggregate classification (germline): Uncertain significance (1 of 4 stars; one submission).

Submission:

GeneDx
Classification: Uncertain significance. Last evaluated: 2024-12-26. Review status: criteria provided, single submitter. Criteria: GeneDx Variant Classification Process June 2021. Collection method: clinical testing. Allele origin: germline. Affected: yes.
Comment: Not observed at significant frequency in large population cohorts (gnomAD); In silico analysis indicates that this missense variant does not alter protein structure/function; Has not been previously published as pathogenic or benign to our knowledge

NM_001348716.2(KDM6B):c.2555C>T (p.Ser852Leu)

Gene: KDM6B (lysine demethylase 6B; plus strand). Cytogenetic location: 17p13.1.
Variant type: single nucleotide variant.
Coding change: c.2555C>T on transcript NM_001348716.2 (MANE Select); coding-DNA position 2555, C replaced by T.
Protein change: p.Ser852Leu; replaces serine 852 with leucine.
Molecular consequence: missense variant.
Genome position (GRCh38, 1-based): chr17:7,848,843, C>T. VCF-style: chr17-7848843-C-T. GRCh37 (hg19) VCF-style: chr17-7752161-C-T.
Other names: c.2555C>T, p.Ser852Leu (NM_001080424.2); short protein forms S852L.
Identifiers: ClinVar variation 3907886 (VCV003907886.1).
Genomic context (GRCh38, chr17:7,848,843, plus strand): 5'-TGCCCACCACTCAGTATTCCCCTGGCCCCCCATCAGGTGCTACCGCCCTGCCGCCCACCT[C>T]AGCGGCCCCTAGCGCCCAGGGCTCCCCACAGCCCTCTGCTTCCTCGTCATCTCAGTTCTC-3'
Protein context (NP_001335645.1, residues 842-862): PSGATALPPT[Ser852Leu]AAPSAQGSPQ